The following is an entry in ClinVar:

NM_019844.4(SLCO1B3):c.1354G>A (p.Val452Ile)

Genes: SLCO1B3 (solute carrier organic anion transporter family member 1B3; plus strand), SLCO1B3-SLCO1B7 (SLCO1B3-SLCO1B7 readthrough; plus strand). Cytogenetic location: 12p12.2.
Variant type: single nucleotide variant.
Coding change: c.1354G>A on transcript NM_019844.4 (MANE Select); coding-DNA position 1354, G replaced by A.
Protein change: p.Val452Ile; replaces valine 452 with isoleucine.
Molecular consequence: missense variant.
Genome position (GRCh38, 1-based): chr12:20,880,877, G>A. VCF-style: chr12-20880877-G-A. GRCh37 (hg19) VCF-style: chr12-21033811-G-A.
Other names: c.1354G>A, p.Val452Ile (NM_001371097.1); c.1270G>A, p.Val424Ile (NM_001349920.2); short protein forms V424I, V452I.
Identifiers: ClinVar variation 5000330 (VCV005000330.1).

ClinVar aggregate classification (germline): Uncertain significance (1 of 4 stars; one submission).

Conditions:
SLCO1B3-related disorder. Also called: SLCO1B3-related condition.

gnomAD v4.1: 4 of 1,606,398 alleles (0.00025%); highest among the groups gnomAD compares: Admixed American, 0.0034%; no homozygotes.

Submission:

PreventionGenetics, part of Exact Sciences
Classification: Uncertain significance for SLCO1B3-related condition. Last evaluated: 2025-05-02. Review status: criteria provided, single submitter. Criteria: ACMG Guidelines, 2015. Collection method: clinical testing. Allele origin: germline.
Comment: The SLCO1B3 c.1354G>A variant is predicted to result in the amino acid substitution p.Val452Ile. To our knowledge, this variant has not been reported in the literature. This variant is reported in 0.0% of alleles in individuals of African descent in gnomAD. At this time, the clinical significance of this variant is uncertain due to the absence of conclusive functional and genetic evidence.